The following is an entry in ClinVar:

NM_152415.3(VPS37A):c.1145A>C (p.Lys382Thr)

Gene: VPS37A (VPS37A subunit of ESCRT-I; plus strand). Cytogenetic location: 8p22.
Variant type: single nucleotide variant.
Coding change: c.1145A>C on transcript NM_152415.3 (MANE Select); coding-DNA position 1145, A replaced by C.
Protein change: p.Lys382Thr; replaces lysine 382 with threonine.
Molecular consequence: missense variant.
Genome position (GRCh38, 1-based): chr8:17,286,378, A>C. VCF-style: chr8-17286378-A-C. GRCh37 (hg19) VCF-style: chr8-17143887-A-C.
Other names: c.1070A>C, p.Lys357Thr (NM_001145152.2); c.1127A>C, p.Lys376Thr (NM_001363167.1); c.875A>C, p.Lys292Thr (NM_001363168.1, NM_001363169.1); c.857A>C, p.Lys286Thr (NM_001363170.1, NM_001363171.1, NM_001363172.2); c.1145A>C, p.Lys382Thr (NM_001363173.2); short protein forms K382T, K357T, K286T, K292T, K376T.
Identifiers: ClinVar variation 473066 (VCV000473066.5), dbSNP rs1554498242, ClinGen allele CA370405451.
Genomic context (GRCh38, chr8:17,286,378, plus strand): 5'-ACTGGTATTTTCAAAAATTTATTTTCTAGATTTGCCACTGTAGAAGAGCCAAGGAAGAGA[A>C]ACTTCAGCAGGCGATAGCAATGCACAGCCAATTTCATGCTCCACTATAGGTAAATTGTAT-3'
Protein context (NP_689628.2, residues 372-392): ICHCRRAKEE[Lys382Thr]LQQAIAMHSQ

ClinVar aggregate classification (germline): Uncertain significance (1 of 4 stars; one submission).

Conditions:
Hereditary spastic paraplegia 53. Also called: Spastic paraplegia 53, autosomal recessive. Identifiers: Orphanet 319199, MedGen C3539494, MONDO:0013962, OMIM 614898.

Allele frequency attached by ClinVar (database versions not stated): gnomAD exomes 0.00001.
gnomAD v4.1: 4 of 1,613,892 alleles (0.00025%); highest among the groups gnomAD compares: Non-Finnish European, 0.00034%; no homozygotes.

Submission:

Labcorp Genetics (formerly Invitae), Labcorp
Classification: Uncertain significance for Hereditary spastic paraplegia 53. Last evaluated: 2016-10-09. Review status: criteria provided, single submitter. Criteria: Invitae Variant Classification Sherloc (09022015). Collection method: clinical testing. Allele origin: germline.
Comment: This sequence change replaces lysine with threonine at codon 382 of the VPS37A protein (p.Lys382Thr). The lysine residue is highly conserved and there is a moderate physicochemical difference between lysine and threonine. Algorithms developed to predict the effect of missense changes on protein structure and function (SIFT, PolyPhen-2, Align-GVGD) all suggest that this variant is likely to be disruptive, but these predictions have not been confirmed by published functional studies. This variant is not present in population databases (ExAC no frequency) and has not been reported in the literature in individuals with a VPS37A-related disease. A different missense substitution at this codon (p.Lys382Asn) has been reported in affected individuals (PMID: 22717650), but the clinical significance of this finding is uncertain. In summary, this variant is a novel missense change with uncertain impact on protein function. It has been classified as a Variant of Uncertain Significance.

Literature cited by the submitters: PubMed 22717650.